The following is an entry in ClinVar:

NM_003072.5(SMARCA4):c.3169G>T (p.Glu1057Ter)

Gene: SMARCA4 (SWI/SNF related BAF chromatin remodeling complex subunit ATPase 4; plus strand). Cytogenetic location: 19p13.2.
Variant type: single nucleotide variant.
Coding change: c.3169G>T on transcript NM_003072.5 (MANE Select); coding-DNA position 3169, G replaced by T.
Protein change: p.Glu1057Ter; replaces glutamic acid 1057 with a stop codon.
Molecular consequence: nonsense. On other transcripts: non-coding transcript variant (1).
Genome position (GRCh38, 1-based): chr19:11,026,300, G>T. VCF-style: chr19-11026300-G-T. GRCh37 (hg19) VCF-style: chr19-11136976-G-T.
Other names: c.3169G>T, p.Glu1057Ter (NM_001128844.3, NM_001128845.2, NM_001128846.2 and 4 more transcripts); short protein forms E1057*.
Identifiers: ClinVar variation 839007 (VCV000839007.7), dbSNP rs1555781050, ClinGen allele CA404060022.

ClinVar aggregate classification (germline): Pathogenic (1 of 4 stars; one submission).

Conditions:
Rhabdoid tumor predisposition syndrome 2 (RTPS2). Identifiers: Orphanet 231108, Orphanet 69077, MedGen C2750074, MONDO:0013224, OMIM 613325.

Submission:

Labcorp Genetics (formerly Invitae), Labcorp
Classification: Pathogenic for Rhabdoid tumor predisposition syndrome 2. Last evaluated: 2021-06-02. Review status: criteria provided, single submitter. Criteria: Invitae Variant Classification Sherloc (09022015). Collection method: clinical testing. Allele origin: germline.
Comment: For these reasons, this variant has been classified as Pathogenic. Loss-of-function variants in SMARCA4 are known to be pathogenic (PMID: 24658001, 24658002). Algorithms developed to predict the effect of sequence changes on RNA splicing suggest that this variant may disrupt the consensus splice site, but this prediction has not been confirmed by published transcriptional studies. This variant has not been reported in the literature in individuals with SMARCA4-related conditions. This variant is not present in population databases (ExAC no frequency). This sequence change creates a premature translational stop signal (p.Glu1057*) in the SMARCA4 gene. It is expected to result in an absent or disrupted protein product.

Literature cited by the submitters: PubMed 24658001; PubMed 24658002.